The following is an entry in ClinVar:

ClinVar aggregate classification (germline): Likely benign (1 of 4 stars; one submission).

gnomAD v4.1: 289 of 1,231,716 alleles (0.023%); highest among the groups gnomAD compares: Admixed American, 0.046%; 1 homozygote.

Submission:

CeGaT Center for Human Genetics Tuebingen
Classification: Likely benign. Last evaluated: 2024-12-01. Review status: criteria provided, single submitter. Criteria: CeGaT Center For Human Genetics Tuebingen Variant Classification Criteria Version 2. Collection method: clinical testing. Allele origin: germline. Affected: yes. Observed: 1 variant allele.
Comment: ERFL: BP4, BP7

NM_001365103.2(ERFL):c.1056C>T (p.Thr352=)

Genes: ARHGEF1 (Rho guanine nucleotide exchange factor 1; plus strand), ERFL (ETS repressor factor like; minus strand). Cytogenetic location: 19q13.2.
Variant type: single nucleotide variant.
Coding change: c.1056C>T on transcript NM_001365103.2 (MANE Select); coding-DNA position 1056, C replaced by T.
Protein change: p.Thr352=; no amino-acid change (threonine 352 retained).
Molecular consequence: synonymous variant. On other transcripts: intron variant (2).
Genome position (GRCh38, 1-based): chr19:41,908,237, G>A on the plus strand (C>T on the coding strand, the complement: ERFL is on the minus strand). VCF-style: chr19-41908237-G-A. GRCh37 (hg19) VCF-style: chr19-42412389-G-A.
Other names: c.2592+1434G>A (NM_001396003.1); c.2493+1434G>A (NM_001396002.1).
Identifiers: ClinVar variation 3771385 (VCV003771385.13).
Genomic context (GRCh38, chr19:41,908,237, plus strand): 5'-GGGCAGCCACCCTGGTCCCTGCCTCAGCAGAATCCATTGCCCCCTGCCGGCTCAGCTGCC[G>A]GTCCCCCCTTTGCCCGCCTTTGCCTTGGGGGGTGCCGGGAGACCCTCATCGCCCTCGCTG-3'
Protein context (NP_001352032.1, residues 342-354): PPKAKAGKGG[Thr352=]GS